The following is an entry in ClinVar:

ClinVar aggregate classification (germline): Uncertain significance (1 of 4 stars; one submission).

Conditions:
Polyglandular autoimmune syndrome, type 1 (APS1). Also called: AUTOIMMUNE POLYENDOCRINE SYNDROME, TYPE I, WITH OR WITHOUT REVERSIBLE METAPHYSEAL DYSPLASIA; APS I; Autoimmune polyendocrinopathy syndrome, type I; Autoimmune polyendocrinopathy syndrome , type I, with or without reversible metaphyseal dysplasia; PGA I; HYPOADRENOCORTICISM WITH HYPOPARATHYROIDISM AND SUPERFICIAL MONILIASIS. Identifiers: Orphanet 3453, MedGen C0085859, MONDO:0009411, OMIM 240300.

Allele frequency attached by ClinVar (database versions not stated): gnomAD exomes below 0.00001.

Submission:

Labcorp Genetics (formerly Invitae), Labcorp
Classification: Uncertain significance for Polyglandular autoimmune syndrome, type 1. Last evaluated: 2021-08-16. Review status: criteria provided, single submitter. Criteria: Invitae Variant Classification Sherloc (09022015). Collection method: clinical testing. Allele origin: germline.
Comment: This sequence change replaces serine with arginine at codon 535 of the AIRE protein (p.Ser535Arg). The serine residue is highly conserved and there is a moderate physicochemical difference between serine and arginine. This variant is not present in population databases (ExAC no frequency). In summary, the available evidence is currently insufficient to determine the role of this variant in disease. Therefore, it has been classified as a Variant of Uncertain Significance. Algorithms developed to predict the effect of missense changes on protein structure and function (SIFT, PolyPhen-2, Align-GVGD) all suggest that this variant is likely to be disruptive. This variant has not been reported in the literature in individuals affected with AIRE-related conditions.

NM_000383.4(AIRE):c.1605C>A (p.Ser535Arg)

Gene: AIRE (autoimmune regulator; plus strand). Cytogenetic location: 21q22.3.
Variant type: single nucleotide variant.
Coding change: c.1605C>A on transcript NM_000383.4 (MANE Select); coding-DNA position 1605, C replaced by A.
Protein change: p.Ser535Arg; replaces serine 535 with arginine.
Molecular consequence: missense variant.
Genome position (GRCh38, 1-based): chr21:44,297,694, C>A. VCF-style: chr21-44297694-C-A. GRCh37 (hg19) VCF-style: chr21-45717577-C-A.
Other names: short protein forms S535R.
Identifiers: ClinVar variation 1428616 (VCV001428616.6), dbSNP rs2146389859, ClinGen allele CA410426285.